The following is an entry in ClinVar:

ClinVar aggregate classification (germline): Uncertain significance. Review status: criteria provided, multiple submitters, no conflicts (2 of 4 stars). 4 submissions from 4 submitters: Uncertain significance (4). Last evaluated 2025-09-17.

Conditions:
Hereditary nonpolyposis colorectal neoplasms. Identifiers: MedGen C0009405, MeSH D003123.
Hereditary cancer-predisposing syndrome. Also called: Hereditary neoplastic syndrome; Tumor predisposition; Neoplastic Syndromes, Hereditary; Hereditary Cancer Syndrome. Identifiers: Orphanet 140162, MedGen C0027672, MeSH D009386, MONDO:0015356.
Lynch syndrome. Identifiers: Orphanet 144, MedGen C4552100, MONDO:0005835. Disease mechanism: loss of function.

gnomAD v4.1: 8 of 1,613,502 alleles (0.0005%); highest among the groups gnomAD compares: Non-Finnish European, 0.00068%; no homozygotes.

Submissions (4):

Ambry Genetics
Classification: Uncertain significance for Hereditary cancer-predisposing syndrome. Last evaluated: 2025-09-17. Review status: criteria provided, single submitter. Criteria: Ambry Variant Classification Scheme 2023. Collection method: clinical testing. Allele origin: germline.
Comment: The p.E180A variant (also known as c.539A>C), located in coding exon 6 of the PMS2 gene, results from an A to C substitution at nucleotide position 539. The glutamic acid at codon 180 is replaced by alanine, an amino acid with dissimilar properties. This amino acid position is highly conserved in available vertebrate species. In addition, this alteration is predicted to be deleterious by in silico analysis. Since supporting evidence is limited at this time, the clinical significance of this alteration remains unclear.

All of Us Research Program, National Institutes of Health
Classification: Uncertain significance for Lynch syndrome. Last evaluated: 2024-04-16. Review status: criteria provided, single submitter. Criteria: ACMG Guidelines, 2015. Collection method: clinical testing. Allele origin: germline. Inheritance: Autosomal dominant inheritance. Observed: 1 variant allele, 1 heterozygote.
Comment: This missense variant replaces glutamic acid with alanine at codon 180 of the PMS2 protein. Computational prediction suggests that this variant may have deleterious impact on protein structure and function (internally defined REVEL score threshold >= 0.7, PMID: 27666373). To our knowledge, functional studies have not been reported for this variant. This variant has not been reported in individuals affected with PMS2-related disorders in the literature. This variant has not been identified in the general population by the Genome Aggregation Database (gnomAD). The available evidence is insufficient to determine the role of this variant in disease conclusively. Therefore, this variant is classified as a Variant of Uncertain Significance.

This study involves interpretation of variants in research participants for the purpose of population health screening. Participant phenotype was not available at the time of variant classification. Additional details can be found in publication PMID: 35346344, PMCID: PMC8962531

Labcorp Genetics (formerly Invitae), Labcorp
Classification: Uncertain significance for Hereditary nonpolyposis colorectal neoplasms. Last evaluated: 2024-01-27. Review status: criteria provided, single submitter. Criteria: Invitae Variant Classification Sherloc (09022015). Collection method: clinical testing. Allele origin: germline.
Comment: This sequence change replaces glutamic acid, which is acidic and polar, with alanine, which is neutral and non-polar, at codon 180 of the PMS2 protein (p.Glu180Ala). This variant is not present in population databases (gnomAD no frequency). This variant has not been reported in the literature in individuals affected with PMS2-related conditions. ClinVar contains an entry for this variant (Variation ID: 418740). An algorithm developed to predict the effect of missense changes on protein structure and function (PolyPhen-2) suggests that this variant is likely to be disruptive. In summary, the available evidence is currently insufficient to determine the role of this variant in disease. Therefore, it has been classified as a Variant of Uncertain Significance.

GeneDx
Classification: Uncertain significance. Last evaluated: 2015-03-24. Review status: criteria provided, single submitter. Criteria: GeneDx Variant Classification (06012015). Collection method: clinical testing. Allele origin: germline. Affected: yes.
Comment: This variant is denoted PMS2 c.539A>C at the cDNA level, p.Glu180Ala (E180A) at the protein level, and results in the change of a Glutamic Acid to an Alanine (GAG>GCG). This variant has not, to our knowledge, been published in the literature as pathogenic or benign. PMS2 Glu180Ala was not observed in approximately 6,500 individuals of European and African American ancestry in the NHLBI Exome Sequencing Project, indicating it is not a common benign variant in these populations. Since Glutamic Acid and Alanine differ in polarity, charge, size or other properties, this is considered a non-conservative amino acid substitution. PMS2 Glu180Ala occurs at a position that is conserved across species and is located in the ATPase domain (Fukui 2011). In silico analyses predict that this variant is probably damaging to protein structure and function. Based on currently available information, it is unclear whether PMS2 Glu180Ala is pathogenic or benign. We consider it to be a variant of uncertain significance.

NM_000535.7(PMS2):c.539A>C (p.Glu180Ala)

Gene: PMS2 (PMS1 homolog 2, mismatch repair system component; minus strand). Cytogenetic location: 7p22.1.
Variant type: single nucleotide variant.
Coding change: c.539A>C on transcript NM_000535.7 (MANE Select); coding-DNA position 539, A replaced by C.
Protein change: p.Glu180Ala; replaces glutamic acid 180 with alanine.
Molecular consequence: missense variant. On other transcripts: non-coding transcript variant (1), intron variant (3).
Genome position (GRCh38, 1-based): chr7:5,999,274, T>G on the plus strand (A>C on the coding strand, the complement: PMS2 is on the minus strand). VCF-style: chr7-5999274-T-G. GRCh37 (hg19) VCF-style: chr7-6038905-T-G.
Other names: c.134A>C, p.Glu45Ala (NM_001322003.2, NM_001322004.2, NM_001322005.2 and 2 more transcripts); c.539A>C, p.Glu180Ala (NM_001322006.2, NM_001322014.2); c.221A>C, p.Glu74Ala (NM_001322007.2, NM_001322008.2); c.230A>C, p.Glu77Ala (NM_001322015.2); c.133-1851A>C (NM_001322013.2); c.-347-48A>C (NM_001322012.2, NM_001322011.2); short protein forms E180A, E45A, E74A, E77A.
Identifiers: ClinVar variation 418740 (VCV000418740.12), dbSNP rs1064793401, ClinGen allele CA16618529.